The following is an entry in ClinVar:

ClinVar aggregate classification (germline): Likely benign. Review status: criteria provided, multiple submitters, no conflicts (2 of 4 stars). 5 submissions from 5 submitters: Likely benign (4). 1 of the submissions does not count toward it. Last evaluated 2026-07-01.

Conditions:
SPTBN4-related disorder. Also called: SPTBN4-related condition.

Allele frequency attached by ClinVar (database versions not stated): 1000 Genomes Project 0.00180; 1000 Genomes Project 30x 0.00250; TOPMed 0.00539; gnomAD 0.00549; ExAC 0.00642.
gnomAD v4.1: 9,969 of 1,413,244 alleles (0.71%); highest among the groups gnomAD compares: Non-Finnish European, 0.78%; 51 homozygotes.

Submissions (5):

CeGaT Center for Human Genetics Tuebingen
Classification: Likely benign. Last evaluated: 2026-07-01. Review status: criteria provided, single submitter. Criteria: CeGaT Center For Human Genetics Tuebingen Variant Classification Criteria Version 2. Collection method: clinical testing. Allele origin: germline. Affected: yes. Observed: 48 variant alleles.
Comment: SPTBN4: BP4, BP7, BS2

Blueprint Genetics
Classification: Likely benign. Last evaluated: 2024-11-28. Review status: criteria provided, single submitter. Criteria: ACMG Guidelines, 2015. Collection method: clinical testing. Allele origin: germline.

Labcorp Genetics (formerly Invitae), Labcorp
Classification: Likely benign. Last evaluated: 2019-12-31. Review status: criteria provided, single submitter. Criteria: Invitae Variant Classification Sherloc (09022015). Collection method: clinical testing. Allele origin: germline.

Breakthrough Genomics
Classification: Likely benign. Review status: criteria provided, single submitter. Criteria: ACMG Guidelines, 2015. Collection method: not provided. Allele origin: germline. Inheritance: Autosomal recessive inheritance. Affected: yes.

PreventionGenetics, part of Exact Sciences
Classification: Benign for SPTBN4-related condition. Last evaluated: 2019-05-07. Review status: no assertion criteria provided. Collection method: clinical testing. Allele origin: germline. Not counted in ClinVar's aggregate classification.
Comment: This variant is classified as benign based on ACMG/AMP sequence variant interpretation guidelines (Richards et al. 2015 PMID: 25741868, with internal and published modifications).

NM_020971.3(SPTBN4):c.2193C>A (p.Ala731=)

Gene: SPTBN4 (spectrin beta, non-erythrocytic 4; plus strand). Cytogenetic location: 19q13.2.
Variant type: single nucleotide variant.
Coding change: c.2193C>A on transcript NM_020971.3 (MANE Select); coding-DNA position 2193, C replaced by A.
Protein change: p.Ala731=; no amino-acid change (alanine 731 retained).
Molecular consequence: synonymous variant.
Genome position (GRCh38, 1-based): chr19:40,512,982, C>A. VCF-style: chr19-40512982-C-A. GRCh37 (hg19) VCF-style: chr19-41018889-C-A.
Identifiers: ClinVar variation 773356 (VCV000773356.40), dbSNP rs567442426, ClinGen allele CA9445835.
Genomic context (GRCh38, chr19:40,512,982, plus strand): 5'-GCGAGCGTTGCTGCAGCAGGCCCTGCGGTGTGGCGAGGAGCTGGTTGCGGCCGGCGGTGC[C>A]GTCGGCCCGGGAGCAGACACCGTGCACCTGGTAGGCCTGGCGGAGCGCGCGGCGAGCGCC-3'
Protein context (NP_066022.2, residues 721-741): CGEELVAAGG[Ala731=]VGPGADTVHL